The following is an entry in ClinVar:

ClinVar aggregate classification (germline): Uncertain significance. Review status: criteria provided, multiple submitters, no conflicts (2 of 4 stars). 2 submissions from 2 submitters: Uncertain significance (2). Last evaluated 2024-01-20.

Submissions (2):

Labcorp Genetics (formerly Invitae), Labcorp
Classification: Uncertain significance. Last evaluated: 2024-01-20. Review status: criteria provided, single submitter. Criteria: Invitae Variant Classification Sherloc (09022015). Collection method: clinical testing. Allele origin: germline.
Comment: This sequence change replaces histidine, which is basic and polar, with glutamine, which is neutral and polar, at codon 167 of the BGN protein (p.His167Gln). This variant is not present in population databases (gnomAD no frequency). This variant has not been reported in the literature in individuals affected with BGN-related conditions. Advanced modeling of protein sequence and biophysical properties (such as structural, functional, and spatial information, amino acid conservation, physicochemical variation, residue mobility, and thermodynamic stability) performed at Invitae indicates that this missense variant is not expected to disrupt BGN protein function with a negative predictive value of 80%. In summary, the available evidence is currently insufficient to determine the role of this variant in disease. Therefore, it has been classified as a Variant of Uncertain Significance.

GeneDx
Classification: Uncertain significance. Last evaluated: 2023-07-25. Review status: criteria provided, single submitter. Criteria: GeneDx Variant Classification Process June 2021. Collection method: clinical testing. Allele origin: germline. Affected: yes.
Comment: Not observed at significant frequency in large population cohorts (gnomAD); In silico analysis supports that this missense variant has a deleterious effect on protein structure/function; Has not been previously published as pathogenic or benign to our knowledge; Variants in candidate genes are classified as variants of uncertain significance in accordance with ACMG guidelines (Richards et al., 2015)

NM_001711.6(BGN):c.501C>A (p.His167Gln)

Gene: BGN (biglycan; plus strand). Cytogenetic location: Xq28.
Variant type: single nucleotide variant.
Coding change: c.501C>A on transcript NM_001711.6 (MANE Select); coding-DNA position 501, C replaced by A.
Protein change: p.His167Gln; replaces histidine 167 with glutamine.
Molecular consequence: missense variant.
Genome position (GRCh38, 1-based): chrX:153,506,012, C>A. VCF-style: chrX-153506012-C-A. GRCh37 (hg19) VCF-style: chrX-152771470-C-A.
Other names: c.501C>A (NM_001711.5); short protein forms H167Q.
Identifiers: ClinVar variation 2961087 (VCV002961087.4), dbSNP rs782677854, ClinGen allele CA415069822.